The following is an entry in ClinVar:

NM_001267550.2(TTN):c.104659C>T (p.Pro34887Ser)

Genes: TTN (titin; minus strand), TTN-AS1 (TTN antisense RNA 1; plus strand). Cytogenetic location: 2q31.2.
Variant type: single nucleotide variant.
Coding change: c.104659C>T on transcript NM_001267550.2 (MANE Select); coding-DNA position 104659, C replaced by T.
Protein change: p.Pro34887Ser; replaces proline 34887 with serine.
Molecular consequence: missense variant.
Genome position (GRCh38, 1-based): chr2:178,531,956, G>A on the plus strand (C>T on the coding strand, the complement: TTN is on the minus strand). VCF-style: chr2-178531956-G-A. GRCh37 (hg19) VCF-style: chr2-179396683-G-A.
Other names: c.99736C>T, p.Pro33246Ser (NM_001256850.1); c.77464C>T, p.Pro25822Ser (NM_003319.4); c.96955C>T, p.Pro32319Ser (NM_133378.4); c.77839C>T, p.Pro25947Ser (NM_133432.3); c.78040C>T, p.Pro26014Ser (NM_133437.4); short protein forms P32319S, P25947S, P34887S, P25822S, P26014S, P33246S.
Identifiers: ClinVar variation 940694 (VCV000940694.8), dbSNP rs1689308742, ClinGen allele CA349411202.

ClinVar aggregate classification (germline): Uncertain significance (1 of 4 stars; one submission).

Conditions:
Dilated cardiomyopathy 1G (CMD1G). Identifiers: Orphanet 154, MedGen C1858763, MONDO:0011400, OMIM 604145.
Autosomal recessive limb-girdle muscular dystrophy type 2J (LGMDR10). Also called: Limb-girdle muscular dystrophy, type 2J; MUSCULAR DYSTROPHY, LIMB-GIRDLE, AUTOSOMAL RECESSIVE 10. Identifiers: Orphanet 140922, MedGen C1837342, MONDO:0012127, OMIM 608807.

Allele frequency attached by ClinVar (database versions not stated): gnomAD exomes below 0.00001.
gnomAD v4.1: 1 of 1,613,594 alleles (0.000062%); highest among the groups gnomAD compares: East Asian, 0.0022%; no homozygotes.

Submission:

Labcorp Genetics (formerly Invitae), Labcorp
Classification: Uncertain significance for Dilated cardiomyopathy 1G; Autosomal recessive limb-girdle muscular dystrophy type 2J. Last evaluated: 2023-07-07. Review status: criteria provided, single submitter. Criteria: Invitae Variant Classification Sherloc (09022015). Collection method: clinical testing. Allele origin: germline.
Comment: In summary, the available evidence is currently insufficient to determine the role of this variant in disease. Therefore, it has been classified as a Variant of Uncertain Significance. This variant is located in the M band of TTN (PMID: 25589632). Variants in this region may be relevant for neuromuscular disorders, but have not been definitively shown to cause cardiomyopathy (PMID: 23975875). Experimental studies and prediction algorithms are not available or were not evaluated, and the functional significance of this variant is currently unknown. ClinVar contains an entry for this variant (Variation ID: 940694). This variant has not been reported in the literature in individuals affected with TTN-related conditions. This sequence change replaces proline, which is neutral and non-polar, with serine, which is neutral and polar, at codon 34887 of the TTN protein (p.Pro34887Ser). This variant is not present in population databases (gnomAD no frequency).

Literature cited by the submitters: PubMed 25589632; PubMed 23975875.